The following is an entry in ClinVar:

ClinVar aggregate classification (germline): Uncertain significance (1 of 4 stars; one submission).

Allele frequency attached by ClinVar (database versions not stated): gnomAD 0.00001; gnomAD exomes 0.00001; TOPMed 0.00002; 1000 Genomes Project 0.00020; 1000 Genomes Project 30x 0.00031.
gnomAD v4.1: 12 of 1,551,324 alleles (0.00077%); highest among the groups gnomAD compares: African/African-American, 0.0041%; no homozygotes.

Submission:

Labcorp Genetics (formerly Invitae), Labcorp
Classification: Uncertain significance. Last evaluated: 2022-07-12. Review status: criteria provided, single submitter. Criteria: Invitae Variant Classification Sherloc (09022015). Collection method: clinical testing. Allele origin: germline.
Comment: This sequence change replaces valine, which is neutral and non-polar, with isoleucine, which is neutral and non-polar, at codon 411 of the KPNA7 protein (p.Val411Ile). This variant is present in population databases (rs544307901, gnomAD 0.004%). This variant has not been reported in the literature in individuals affected with KPNA7-related conditions. ClinVar contains an entry for this variant (Variation ID: 1520791). Algorithms developed to predict the effect of missense changes on protein structure and function output the following: SIFT: "Tolerated"; PolyPhen-2: "Benign"; Align-GVGD: "Class C0". The isoleucine amino acid residue is found in multiple mammalian species, which suggests that this missense change does not adversely affect protein function. In summary, the available evidence is currently insufficient to determine the role of this variant in disease. Therefore, it has been classified as a Variant of Uncertain Significance.

NM_001145715.3(KPNA7):c.1231G>A (p.Val411Ile)

Gene: KPNA7 (karyopherin subunit alpha 7; minus strand). Cytogenetic location: 7q22.1.
Variant type: single nucleotide variant.
Coding change: c.1231G>A on transcript NM_001145715.3 (MANE Select); coding-DNA position 1231, G replaced by A.
Protein change: p.Val411Ile; replaces valine 411 with isoleucine.
Molecular consequence: missense variant.
Genome position (GRCh38, 1-based): chr7:99,181,969, C>T on the plus strand (G>A on the coding strand, the complement: KPNA7 is on the minus strand). VCF-style: chr7-99181969-C-T. GRCh37 (hg19) VCF-style: chr7-98779592-C-T.
Other names: short protein forms V411I.
Identifiers: ClinVar variation 1520791 (VCV001520791.5), dbSNP rs544307901, ClinGen allele CA163744982.